The following is an entry in ClinVar:

ClinVar aggregate classification (germline): Pathogenic (1 of 4 stars; one submission).

Conditions:
Melanoma, cutaneous malignant, susceptibility to, 8. Also called: MELANOMA AND RENAL CELL CARCINOMA, SUSCEPTIBILITY TO; Cutaneous malignant melanoma 8. Identifiers: Orphanet 293822, MedGen C3152204, MONDO:0013759, OMIM 614456.
Tietz syndrome (TADS). Also called: ALBINISM-DEAFNESS OF TIETZ; HYPOPIGMENTATION/DEAFNESS OF TIETZ; TIETZ ALBINISM-DEAFNESS SYNDROME. Identifiers: Orphanet 42665, MedGen C0391816, MONDO:0007077, OMIM 103500.
Waardenburg syndrome type 2A (WS2A). Also called: WAARDENBURG SYNDROME WITHOUT DYSTOPIA CANTHORUM. Identifiers: Orphanet 3440, MedGen C1860339, MONDO:0008671, OMIM 193510.

Submission:

Labcorp Genetics (formerly Invitae), Labcorp
Classification: Pathogenic for Melanoma, cutaneous malignant, susceptibility to, 8; Waardenburg syndrome type 2A; Tietz syndrome. Last evaluated: 2024-09-04. Review status: criteria provided, single submitter. Criteria: Invitae Variant Classification Sherloc (09022015). Collection method: clinical testing. Allele origin: germline.
Comment: This sequence change creates a premature translational stop signal (p.Pro57Leufs*49) in the MITF gene. It is expected to result in an absent or disrupted protein product. Loss-of-function variants in MITF are known to be pathogenic (PMID: 8659547, 20127975). This variant is not present in population databases (gnomAD no frequency). This variant has not been reported in the literature in individuals affected with MITF-related conditions. For these reasons, this variant has been classified as Pathogenic.

Literature cited by the submitters: PubMed 8659547; PubMed 20127975.

NM_001354604.2(MITF):c.491del (p.Pro164fs)

Gene: MITF (melanocyte inducing transcription factor; plus strand). Cytogenetic location: 3p13.
Variant type: Deletion.
Coding change: c.491del on transcript NM_001354604.2 (MANE Select); coding-DNA position 491, one base deleted (C; older notation c.491delC).
Protein change: p.Pro164fs; shifts the reading frame from proline 164.
Molecular consequence: frameshift variant. On other transcripts: intron variant (1).
Genome position (GRCh38, 1-based): chr3:69,937,958, C deleted; the last of 2 consecutive C bases (chr3:69,937,957-69,937,958); deleting either gives the same sequence. VCF-style (leftmost placement, unchanged base first): chr3-69937956-GC-G. GRCh37 (hg19) VCF-style: chr3-69987107-GC-G.
Other names: c.170del, p.Pro57fs (NM_000248.4, NM_001184968.2, NM_198158.3); c.335del, p.Pro112fs (NM_001184967.2, NM_001354608.2); c.488del, p.Pro163fs (NM_001354605.2, NM_001354606.2, NM_006722.3); c.440del, p.Pro147fs (NM_001354607.2); c.491del, p.Pro164fs (NM_198159.3); c.443del, p.Pro148fs (NM_198177.3); c.93+77del (NM_198178.3); short protein forms P112fs, P147fs, P148fs, P163fs, P164fs, P57fs.
Identifiers: ClinVar variation 3757969 (VCV003757969.2).